The following is an entry in ClinVar:

ClinVar aggregate classification (germline): Conflicting classifications of pathogenicity. Review status: criteria provided, conflicting classifications (1 of 4 stars). 2 submissions from 2 submitters: Uncertain significance (1); Likely benign (1). Last evaluated 2023-01-19.

Allele frequency attached by ClinVar (database versions not stated): TOPMed below 0.00001; gnomAD 0.00001.
gnomAD v4.1: 1 of 1,207,695 alleles (0.000083%); highest among the groups gnomAD compares: African/African-American, 0.0018%; no homozygotes.

Submissions (2):

Labcorp Genetics (formerly Invitae), Labcorp
Classification: Likely benign. Last evaluated: 2023-01-19. Review status: criteria provided, single submitter. Criteria: Invitae Variant Classification Sherloc (09022015). Collection method: clinical testing. Allele origin: germline.

GeneDx
Classification: Uncertain significance. Last evaluated: 2022-01-31. Review status: criteria provided, single submitter. Criteria: GeneDx Variant Classification Process June 2021. Collection method: clinical testing. Allele origin: germline. Affected: yes.
Comment: Not observed at significant frequency in large population cohorts (gnomAD); In silico analysis supports that this variant does not alter splicing; Has not been previously published as pathogenic or benign to our knowledge

NM_033380.3(COL4A5):c.3141T>C (p.Ser1047=)

Gene: COL4A5 (collagen type IV alpha 5 chain; plus strand). Cytogenetic location: Xq22.3.
Variant type: single nucleotide variant.
Coding change: c.3141T>C on transcript NM_033380.3 (MANE Select); coding-DNA position 3141, T replaced by C.
Protein change: p.Ser1047=; no amino-acid change (serine 1047 retained).
Molecular consequence: synonymous variant.
Genome position (GRCh38, 1-based): chrX:108,626,244, T>C. VCF-style: chrX-108626244-T-C. GRCh37 (hg19) VCF-style: chrX-107869474-T-C.
Other names: c.3141T>C, p.Ser1047= (NM_000495.5).
Identifiers: ClinVar variation 1699548 (VCV001699548.9), dbSNP rs1350852221, ClinGen allele CA517925757.